The following is an entry in ClinVar:

NM_001127898.4(CLCN5):c.1914C>T (p.Pro638=)

Genes: CLCN5 (Cl-/H+ antiporter 5; plus strand), LOC126863258 (BRD4-independent group 4 enhancer GRCh37_chrX:49854497-49855696; plus strand). Cytogenetic location: Xp11.23.
Variant type: single nucleotide variant.
Coding change: c.1914C>T on transcript NM_001127898.4 (MANE Select); coding-DNA position 1914, C replaced by T.
Protein change: p.Pro638=; no amino-acid change (proline 638 retained).
Molecular consequence: synonymous variant.
Genome position (GRCh38, 1-based): chrX:50,090,285, C>T. VCF-style: chrX-50090285-C-T. GRCh37 (hg19) VCF-style: chrX-49854942-C-T.
Other names: p.Pro568=; c.1704C>T, p.Pro568= (NM_000084.5); c.1914C>T, p.Pro638= (NM_001127899.4); c.1764C>T, p.Pro588= (NM_001282163.2).
Identifiers: ClinVar variation 368486 (VCV000368486.17), dbSNP rs34173954, ClinGen allele CA10413937.

ClinVar aggregate classification (germline): Benign. Review status: criteria provided, multiple submitters, no conflicts (2 of 4 stars). 6 submissions from 6 submitters: Benign (6). Last evaluated 2026-02-04.

Allele frequency attached by ClinVar (database versions not stated): gnomAD exomes 0.00597 and 0.01701; ExAC 0.02130; gnomAD 0.06116 and 0.06506; 1000 Genomes Project 0.06305; TOPMed 0.06888; 1000 Genomes Project 30x 0.07014; ESP Exome Variant Server 0.07545.
gnomAD v4.1: 13,620 of 1,209,504 alleles (1.1%); highest among the groups gnomAD compares: African/African-American, 21%; 1,059 homozygotes.

Submissions (6):

Labcorp Genetics (formerly Invitae), Labcorp
Classification: Benign. Last evaluated: 2026-02-04. Review status: criteria provided, single submitter. Criteria: Invitae Variant Classification Sherloc (09022015). Collection method: clinical testing. Allele origin: germline.

Women's Health and Genetics/Laboratory Corporation of America, LabCorp
Classification: Benign. Last evaluated: 2025-11-14. Review status: criteria provided, single submitter. Criteria: LabCorp Variant Classification Summary - May 2015. Collection method: clinical testing. Allele origin: germline.

Blueprint Genetics
Classification: Benign. Last evaluated: 2024-11-28. Review status: criteria provided, single submitter. Criteria: ACMG Guidelines, 2015. Collection method: clinical testing. Allele origin: germline.

Mayo Clinic Laboratories, Mayo Clinic
Classification: Benign. Last evaluated: 2023-03-25. Review status: criteria provided, single submitter. Criteria: ACMG Guidelines, 2015. Collection method: clinical testing. Allele origin: germline. Observed: 16 variant alleles.

GeneDx
Classification: Benign. Last evaluated: 2015-09-17. Review status: criteria provided, single submitter. Criteria: GeneDx Variant Classification (06012015). Collection method: clinical testing. Allele origin: germline. Affected: yes.
Comment: This variant is considered likely benign or benign based on one or more of the following criteria: it is a conservative change, it occurs at a poorly conserved position in the protein, it is predicted to be benign by multiple in silico algorithms, and/or has population frequency not consistent with disease.

Breakthrough Genomics
Classification: Benign. Review status: criteria provided, single submitter. Criteria: ACMG Guidelines, 2015. Collection method: not provided. Allele origin: germline. Inheritance: X-linked inheritance. Affected: yes.